The following is an entry in ClinVar:

ClinVar aggregate classification (germline): Uncertain significance (1 of 4 stars; one submission).

Submission:

Dasa
Classification: Uncertain significance. Last evaluated: 2025-04-01. Review status: criteria provided, single submitter. Criteria: DASA Assertion Criteria. Collection method: clinical testing. Allele origin: germline.
Comment: NM_006269.2(RP1):c.6353_6432del (p.Ser2118Asnfs*2) is a frameshift variant in RP1 predicted to alter the reading frame and introduce a premature termination codon and is predicted to result in an absent or altered protein product. This variant is absent from population databases. The currently available literature and clinical evidence are not sufficient to establish a definitive association between this variant and the reported condition. Therefore, this variant is classified as a variant of uncertain significance.

NM_006269.2(RP1):c.6353_6432del (p.Ser2118fs)

Gene: RP1 (RP1 axonemal microtubule associated; plus strand). Cytogenetic location: 8q12.1.
Variant type: Deletion.
Coding change: c.6353_6432del on transcript NM_006269.2 (MANE Select); coding-DNA positions 6353 to 6432, 80 bases deleted.
Protein change: p.Ser2118fs; shifts the reading frame from serine 2118.
Molecular consequence: frameshift variant. On other transcripts: intron variant (1).
Genome position (GRCh38, 1-based): chr8:54,630,235-54,630,314, 80 bases deleted. GRCh37 (hg19): chr8:55,542,795-55,542,874.
Other names: c.787+7947_787+8026del (NM_001375654.1); short protein forms S2118fs.
Identifiers: ClinVar variation 4884152 (VCV004884152.2).